The following is an entry in ClinVar:

ClinVar aggregate classification (germline): Likely benign (1 of 4 stars; one submission).

Allele frequency attached by ClinVar (database versions not stated): gnomAD exomes 0.00166; gnomAD 0.01418 and 0.01527; 1000 Genomes Project 0.01458; TOPMed 0.01547; 1000 Genomes Project 30x 0.01624.

Submission:

GeneDx
Classification: Likely benign. Last evaluated: 2018-06-16. Review status: criteria provided, single submitter. Criteria: GeneDx Variant Classification (06012015). Collection method: clinical testing. Allele origin: germline. Affected: yes.
Comment: This variant is considered likely benign or benign based on one or more of the following criteria: it is a conservative change, it occurs at a poorly conserved position in the protein, it is predicted to be benign by multiple in silico algorithms, and/or has population frequency not consistent with disease.

NM_006846.4(SPINK5):c.81+206A>G

Gene: SPINK5 (serine peptidase inhibitor Kazal type 5; plus strand). Cytogenetic location: 5q32.
Variant type: single nucleotide variant.
Coding change: c.81+206A>G on transcript NM_006846.4 (MANE Select); 206 bases into the intron after coding-DNA position 81, A replaced by G.
Molecular consequence: intron variant.
Genome position (GRCh38, 1-based): chr5:148,065,578, A>G. VCF-style: chr5-148065578-A-G. GRCh37 (hg19) VCF-style: chr5-147445141-A-G.
Other names: c.81+206A>G (NM_001127698.2, NM_001127699.2).
Identifiers: ClinVar variation 676865 (VCV000676865.1), dbSNP rs73269137, ClinGen allele CA129717122.